The following is an entry in ClinVar:

ClinVar aggregate classification (germline): Uncertain significance (1 of 4 stars; one submission).

Conditions:
Breast-ovarian cancer, familial, susceptibility to, 2 (BROVCA2). Also called: BRCA2 Hereditary Breast and Ovarian Cancer. Identifiers: Orphanet 145, MedGen C2675520, MONDO:0012933, OMIM 612555. Disease mechanism: loss of function.

Submission:

All of Us Research Program, National Institutes of Health
Classification: Uncertain significance for Breast-ovarian cancer, familial, susceptibility to, 2. Last evaluated: 2023-10-06. Review status: criteria provided, single submitter. Criteria: ACMG Guidelines, 2015. Collection method: clinical testing. Allele origin: germline. Inheritance: Autosomal dominant inheritance. Observed: 1 variant allele, 1 heterozygote.
Comment: This missense variant replaces arginine with glycine at codon 113 of the BRCA2 protein. Computational prediction suggests that this variant may not impact protein structure and function (internally defined REVEL score threshold <= 0.5, PMID: 27666373). To our knowledge, functional studies have not been reported for this variant. This variant has not been reported in individuals affected with BRCA2-related disorders in the literature. This variant has not been identified in the general population by the Genome Aggregation Database (gnomAD). The available evidence is insufficient to determine the role of this variant in disease conclusively. Therefore, this variant is classified as a Variant of Uncertain Significance.

This study involves interpretation of variants in research participants for the purpose of population health screening. Participant phenotype was not available at the time of variant classification. Additional details can be found in publication PMID: 35346344, PMCID: PMC8962531

NM_000059.4(BRCA2):c.337A>G (p.Arg113Gly)

Gene: BRCA2 (BRCA2 DNA repair associated; plus strand). Cytogenetic location: 13q13.1.
Variant type: single nucleotide variant.
Coding change: c.337A>G on transcript NM_000059.4 (MANE Select); coding-DNA position 337, A replaced by G.
Protein change: p.Arg113Gly; replaces arginine 113 with glycine.
Molecular consequence: missense variant. On other transcripts: 5 prime UTR variant (1), non-coding transcript variant (1).
Genome position (GRCh38, 1-based): chr13:32,325,096, A>G. VCF-style: chr13-32325096-A-G. GRCh37 (hg19) VCF-style: chr13-32899233-A-G.
Other names: c.337A>G, p.Arg113Gly (NM_001406719.1, NM_001406720.1, NM_001406721.1); c.-33A>G (NM_001406722.1); short protein forms R113G.
Identifiers: ClinVar variation 3073847 (VCV003073847.1), dbSNP rs1593885872, ClinGen allele CA387756557.